The following is an entry in ClinVar:

NM_000089.4(COL1A2):c.3954T>C (p.Ser1318=)

Gene: COL1A2 (collagen type I alpha 2 chain; plus strand). Cytogenetic location: 7q21.3.
Variant type: single nucleotide variant.
Coding change: c.3954T>C on transcript NM_000089.4 (MANE Select); coding-DNA position 3954, T replaced by C.
Protein change: p.Ser1318=; no amino-acid change (serine 1318 retained).
Molecular consequence: synonymous variant.
Genome position (GRCh38, 1-based): chr7:94,429,430, T>C. VCF-style: chr7-94429430-T-C. GRCh37 (hg19) VCF-style: chr7-94058742-T-C.
Identifiers: ClinVar variation 909120 (VCV000909120.7), dbSNP rs781599112, ClinGen allele CA4347882.

ClinVar aggregate classification (germline): Conflicting classifications of pathogenicity. Review status: criteria provided, conflicting classifications (1 of 4 stars). 4 submissions from 3 submitters: Uncertain significance (2); Likely benign (1). 1 of the submissions does not count toward it. Last evaluated 2025-06-29.

Conditions:
Osteogenesis imperfecta (OI). Identifiers: Orphanet 666, MedGen C0029434, MeSH D010013, MONDO:0019019.
Ehlers-Danlos syndrome, arthrochalasia type, 2. Also called: EHLERS-DANLOS SYNDROME, TYPE VIIB, AUTOSOMAL DOMINANT. Identifiers: MedGen CN293783, MONDO:0040501, OMIM 617821.
COL1A2-related disorder. Also called: COL1A2-Related Disorders; COL1A2-related condition.
Osteogenesis imperfecta type I (OI1). Also called: Lobstein's Disease; OI, TYPE I; OSTEOGENESIS IMPERFECTA TARDA; OSTEOGENESIS IMPERFECTA WITH BLUE SCLERAE; Osteogenesis imperfecta type 1; Lobstein disease. Identifiers: Orphanet 216796, Orphanet 666, MedGen C0023931, MONDO:0008146, OMIM 166200. Disease mechanism: loss of function.
Ehlers-Danlos syndrome, classic type, 1 (EDSCL1). Also called: Ehlers-Danlos syndrome, type 1; EHLERS-DANLOS SYNDROME, GRAVIS TYPE; EHLERS-DANLOS SYNDROME, SEVERE CLASSIC TYPE; EDS I; Ehlers-Danlos Syndrome, Classic Type, COL5A1-Related. Identifiers: MedGen C0268335, MONDO:0019567, OMIM 130000.

Allele frequency attached by ClinVar (database versions not stated): gnomAD exomes 0.00001; ExAC 0.00002.
gnomAD v4.1: 5 of 1,613,964 alleles (0.00031%); highest among the groups gnomAD compares: Non-Finnish European, 0.00042%; no homozygotes.

Submissions (4):

Labcorp Genetics (formerly Invitae), Labcorp
Classification: Uncertain significance for Osteogenesis imperfecta type I; Ehlers-Danlos syndrome, classic type, 1. Last evaluated: 2025-06-29. Review status: criteria provided, single submitter. Criteria: Invitae Variant Classification Sherloc (09022015). Collection method: clinical testing. Allele origin: germline.
Comment: This sequence change affects codon 1318 of the COL1A2 mRNA. It is a 'silent' change, meaning that it does not change the encoded amino acid sequence of the COL1A2 protein. It affects a nucleotide within the consensus splice site. This variant is present in population databases (rs781599112, gnomAD 0.002%). This variant has not been reported in the literature in individuals affected with COL1A2-related conditions. ClinVar contains an entry for this variant (Variation ID: 909120). Algorithms developed to predict the effect of sequence changes on RNA splicing suggest that this variant is not likely to affect RNA splicing. In summary, the available evidence is currently insufficient to determine the role of this variant in disease. Therefore, it has been classified as a Variant of Uncertain Significance.

Illumina Laboratory Services, Illumina
Classification: Uncertain significance for Osteogenesis imperfecta. Last evaluated: 2018-01-12. Review status: criteria provided, single submitter. Criteria: ICSL Variant Classification Criteria 13 December 2019. Collection method: clinical testing. Allele origin: germline.

Illumina Laboratory Services, Illumina
Classification: Likely benign for Ehlers-Danlos syndrome, arthrochalasia type, 2. Last evaluated: 2018-01-12. Review status: criteria provided, single submitter. Criteria: ICSL Variant Classification Criteria 13 December 2019. Collection method: clinical testing. Allele origin: germline.
Comment: This variant was observed in the ICSL laboratory as part of a predisposition screen in an ostensibly healthy population. It had not been previously curated by ICSL or reported in the Human Gene Mutation Database (HGMD: prior to June 1st, 2018), and was therefore a candidate for classification through an automated scoring system. Utilizing variant allele frequency, disease prevalence and penetrance estimates, and inheritance mode, an automated score was calculated to assess if this variant is too frequent to cause the disease. Based on the score and internal cut-off values, a variant classified as likely benign is not then subjected to further curation. The score for this variant resulted in a classification of likely benign for this disease.

PreventionGenetics, part of Exact Sciences
Classification: Likely benign for COL1A2-related condition. Last evaluated: 2019-11-15. Review status: no assertion criteria provided. Collection method: clinical testing. Allele origin: germline. Not counted in ClinVar's aggregate classification.
Comment: This variant is classified as likely benign based on ACMG/AMP sequence variant interpretation guidelines (Richards et al. 2015 PMID: 25741868, with internal and published modifications).